The following is an entry in ClinVar:

ClinVar aggregate classification (germline): Uncertain significance. Review status: criteria provided, multiple submitters, no conflicts (2 of 4 stars). 2 submissions from 2 submitters: Uncertain significance (2). Last evaluated 2024-03-25.

Conditions:
Inborn genetic diseases. Identifiers: MedGen C0950123, MeSH D030342.

Allele frequency attached by ClinVar (database versions not stated): gnomAD exomes below 0.00001; gnomAD 0.00003; TOPMed 0.00005.
gnomAD v4.1: 14 of 1,613,032 alleles (0.00087%); highest among the groups gnomAD compares: Admixed American, 0.01%; no homozygotes.

Submissions (2):

Ambry Genetics
Classification: Uncertain significance for Inborn genetic diseases. Last evaluated: 2024-03-25. Review status: criteria provided, single submitter. Criteria: Ambry Variant Classification Scheme 2023. Collection method: clinical testing. Allele origin: germline.

Labcorp Genetics (formerly Invitae), Labcorp
Classification: Uncertain significance. Last evaluated: 2022-12-30. Review status: criteria provided, single submitter. Criteria: Invitae Variant Classification Sherloc (09022015). Collection method: clinical testing. Allele origin: germline.
Comment: This variant has not been reported in the literature in individuals affected with ARCN1-related conditions. In summary, the available evidence is currently insufficient to determine the role of this variant in disease. Therefore, it has been classified as a Variant of Uncertain Significance. Algorithms developed to predict the effect of missense changes on protein structure and function (SIFT, PolyPhen-2, Align-GVGD) all suggest that this variant is likely to be tolerated. This variant is not present in population databases (gnomAD no frequency). This sequence change replaces methionine, which is neutral and non-polar, with valine, which is neutral and non-polar, at codon 276 of the ARCN1 protein (p.Met276Val).

NM_001655.5(ARCN1):c.826A>G (p.Met276Val)

Gene: ARCN1 (archain 1 coat protein complex I subunit delta; plus strand). Cytogenetic location: 11q23.3.
Variant type: single nucleotide variant.
Coding change: c.826A>G on transcript NM_001655.5 (MANE Select); coding-DNA position 826, A replaced by G.
Protein change: p.Met276Val; replaces methionine 276 with valine.
Molecular consequence: missense variant.
Genome position (GRCh38, 1-based): chr11:118,590,348, A>G. VCF-style: chr11-118590348-A-G. GRCh37 (hg19) VCF-style: chr11-118461063-A-G.
Other names: c.826A>G (NM_001655.4); c.823A>G, p.Met275Val (NM_001425074.1, NM_001425079.1); c.769A>G, p.Met257Val (NM_001425075.1); c.757A>G, p.Met253Val (NM_001425076.1); c.661A>G, p.Met221Val (NM_001425077.1); c.826A>G, p.Met276Val (NM_001425078.1, NM_001425073.1); c.382A>G, p.Met128Val (NM_001425080.1); c.562A>G, p.Met188Val (NM_001425081.1, NM_001142281.2); short protein forms M257V, M276V, M221V, M128V, M188V, M253V, M275V.
Identifiers: ClinVar variation 2727303 (VCV002727303.4), dbSNP rs1250497374, ClinGen allele CA382810641.